The following is an entry in ClinVar:

ClinVar aggregate classification (germline): Uncertain significance (1 of 4 stars; one submission).

Conditions:
Charcot-Marie-Tooth disease type 4. Also called: Charcot-Marie-Tooth, Type 4; Charcot-Marie-Tooth disease, type IV. Identifiers: Orphanet 64749, MedGen C4082197, MONDO:0018995.

Submission:

Labcorp Genetics (formerly Invitae), Labcorp
Classification: Uncertain significance for Charcot-Marie-Tooth disease type 4. Last evaluated: 2022-02-22. Review status: criteria provided, single submitter. Criteria: Invitae Variant Classification Sherloc (09022015). Collection method: clinical testing. Allele origin: germline.
Comment: This sequence change replaces isoleucine, which is neutral and non-polar, with lysine, which is basic and polar, at codon 844 of the SBF2 protein (p.Ile844Lys). This variant is not present in population databases (gnomAD no frequency). This variant has not been reported in the literature in individuals affected with SBF2-related conditions. Algorithms developed to predict the effect of missense changes on protein structure and function are either unavailable or do not agree on the potential impact of this missense change (SIFT: "Deleterious"; PolyPhen-2: "Possibly Damaging"; Align-GVGD: "Class C0"). In summary, the available evidence is currently insufficient to determine the role of this variant in disease. Therefore, it has been classified as a Variant of Uncertain Significance.

NM_030962.4(SBF2):c.2531T>A (p.Ile844Lys)

Genes: SBF2 (SET binding factor 2; minus strand), LOC101928008 (uncharacterized LOC101928008; plus strand). Cytogenetic location: 11p15.4.
Variant type: single nucleotide variant.
Coding change: c.2531T>A on transcript NM_030962.4 (MANE Select); coding-DNA position 2531, T replaced by A.
Protein change: p.Ile844Lys; replaces isoleucine 844 with lysine.
Molecular consequence: missense variant.
Genome position (GRCh38, 1-based): chr11:9,853,545, A>T on the plus strand (T>A on the coding strand, the complement: SBF2 is on the minus strand). VCF-style: chr11-9853545-A-T. GRCh37 (hg19) VCF-style: chr11-9875092-A-T.
Other names: c.2531T>A, p.Ile844Lys (NM_001386339.1); c.2402T>A, p.Ile801Lys (NM_001386342.1); short protein forms I844K, I801K.
Identifiers: ClinVar variation 2072019 (VCV002072019.4), dbSNP rs2494868128, ClinGen allele CA379637408.
Genomic context (GRCh38, chr11:9,853,545, plus strand): 5'-CTGAAACTCAATAATCTCCAATATTCTGATTCTCTAATATCTGCAGAGTGATTACCTGGT[A>T]TCATGCAATGAAGGCTCTTGATGTGATCCTGAGTAACTCCACTCTCTGTACAAACTTTGT-3'
Protein context (NP_112224.1, residues 834-854): QDHIKSLHCM[Ile844Lys]PGIVAMHIET